The following is an entry in ClinVar:

ClinVar aggregate classification (germline): Conflicting classifications of pathogenicity. Review status: criteria provided, conflicting classifications (1 of 4 stars). 4 submissions from 4 submitters: Uncertain significance (2); Benign (1). 1 of the submissions does not count toward it. Last evaluated 2025-11-03.

Conditions:
NF1-related disorder. Also called: NF1-related condition. Identifiers: MedGen CN379171.
Cardiovascular phenotype. Identifiers: MedGen CN230736.
Hereditary cancer-predisposing syndrome. Also called: Hereditary Cancer Syndrome; Hereditary neoplastic syndrome; Tumor predisposition; Neoplastic Syndromes, Hereditary. Identifiers: Orphanet 140162, MedGen C0027672, MeSH D009386, MONDO:0015356.
Neurofibromatosis, type 1 (NF1). Also called: VON RECKLINGHAUSEN DISEASE; NEUROFIBROMATOSIS, TYPE I, SOMATIC; Peripheral type neurofibromatosis; Neurofibromatosis, type I. Identifiers: Orphanet 636, MedGen C0027831, MONDO:0018975, OMIM 162200. Disease mechanism: loss of function.

Allele frequency attached by ClinVar (database versions not stated): gnomAD exomes below 0.00001 and 0.00002; ExAC 0.00001.
gnomAD v4.1: 26 of 1,612,828 alleles (0.0016%); highest among the groups gnomAD compares: Non-Finnish European, 0.0021%; no homozygotes.

Submissions (4):

Labcorp Genetics (formerly Invitae), Labcorp
Classification: Benign for Neurofibromatosis, type 1. Last evaluated: 2025-11-03. Review status: criteria provided, single submitter. Criteria: Invitae Variant Classification Sherloc (09022015). Collection method: clinical testing. Allele origin: germline.

Genome-Nilou Lab
Classification: Uncertain significance for Neurofibromatosis, type 1. Last evaluated: 2022-03-15. Review status: criteria provided, single submitter. Criteria: ACMG Guidelines, 2015. Collection method: clinical testing. Allele origin: germline. Affected: no.

Ambry Genetics
Classification: Uncertain significance for Cardiovascular phenotype; Hereditary cancer-predisposing syndrome. Last evaluated: 2020-12-23. Review status: criteria provided, single submitter. Criteria: Ambry Variant Classification Scheme 2023. Collection method: clinical testing. Allele origin: germline.

PreventionGenetics, part of Exact Sciences
Classification: Uncertain significance for NF1-related condition. Last evaluated: 2024-02-15. Review status: no assertion criteria provided. Collection method: clinical testing. Allele origin: germline. Not counted in ClinVar's aggregate classification.
Comment: The NF1 c.5221C>A variant is predicted to result in the amino acid substitution p.His1741Asn. To our knowledge, this variant has not been reported in the literature. This variant is reported in 0.00088% of alleles in individuals of European (Non-Finnish) descent in gnomAD. At this time, the clinical significance of this variant is uncertain due to the absence of conclusive functional and genetic evidence.

NM_001042492.3(NF1):c.5221C>A (p.His1741Asn)

Gene: NF1 (neurofibromin 1; plus strand). Cytogenetic location: 17q11.2.
Variant type: single nucleotide variant.
Coding change: c.5221C>A on transcript NM_001042492.3 (MANE Select); coding-DNA position 5221, C replaced by A.
Protein change: p.His1741Asn; replaces histidine 1741 with asparagine.
Molecular consequence: missense variant.
Genome position (GRCh38, 1-based): chr17:31,326,205, C>A. VCF-style: chr17-31326205-C-A. GRCh37 (hg19) VCF-style: chr17-29653223-C-A.
Other names: c.5158C>A, p.His1720Asn (NM_000267.4); short protein forms H1741N, H1720N.
Identifiers: ClinVar variation 457744 (VCV000457744.15), dbSNP rs780529277, ClinGen allele CA8487149.
Genomic context (GRCh38, chr17:31,326,205, plus strand): 5'-CATGAACAACAGAAACTACCTGCTGCCACCTTGGCTTTAGAAGAGGACCTGAAGGTATTC[C>A]ACAATGCTCTCAAGCTAGCTCACAAAGACACCAAAGTTTCTATTAAAGTAAGTTCCAGTC-3'
Protein context (NP_001035957.1, residues 1731-1751): LALEEDLKVF[His1741Asn]NALKLAHKDT